The following is an entry in ClinVar:

NM_052813.5(CARD9):c.85C>T (p.Arg29Cys)

Gene: CARD9 (caspase recruitment domain family member 9; minus strand). Cytogenetic location: 9q34.3.
Variant type: single nucleotide variant.
Coding change: c.85C>T on transcript NM_052813.5 (MANE Select); coding-DNA position 85, C replaced by T.
Protein change: p.Arg29Cys; replaces arginine 29 with cysteine.
Molecular consequence: missense variant.
Genome position (GRCh38, 1-based): chr9:136,371,994, G>A on the plus strand (C>T on the coding strand, the complement: CARD9 is on the minus strand). VCF-style: chr9-136371994-G-A. GRCh37 (hg19) VCF-style: chr9-139266446-G-A.
Other names: c.85C>T, p.Arg29Cys (NM_052814.4); short protein forms R29C.
Identifiers: ClinVar variation 1985681 (VCV001985681.2), dbSNP rs776666302, ClinGen allele CA5333255.

ClinVar aggregate classification (germline): Uncertain significance (1 of 4 stars; one submission).

Conditions:
Predisposition to invasive fungal disease due to CARD9 deficiency (IMD103). Also called: Candidiasis, familial, 2, autosomal recessive; IMMUNODEFICIENCY 103, SUSCEPTIBILITY TO FUNGAL INFECTIONS; CARD9 IMMUNODEFICIENCY. Identifiers: Orphanet 457088, MedGen C1859353, MONDO:0008905, OMIM 212050.

Allele frequency attached by ClinVar (database versions not stated): ExAC 0.00001; TOPMed 0.00001; gnomAD 0.00002.

Submission:

Labcorp Genetics (formerly Invitae), Labcorp
Classification: Uncertain significance for Predisposition to invasive fungal disease due to CARD9 deficiency. Last evaluated: 2025-03-03. Review status: criteria provided, single submitter. Criteria: Invitae Variant Classification Sherloc (09022015). Collection method: clinical testing. Allele origin: germline.
Comment: This sequence change replaces arginine, which is basic and polar, with cysteine, which is neutral and slightly polar, at codon 29 of the CARD9 protein (p.Arg29Cys). This variant is present in population databases (rs776666302, gnomAD 0.003%). This variant has not been reported in the literature in individuals affected with CARD9-related conditions. ClinVar contains an entry for this variant (Variation ID: 1985681). Invitae Evidence Modeling of protein sequence and biophysical properties (such as structural, functional, and spatial information, amino acid conservation, physicochemical variation, residue mobility, and thermodynamic stability) has been performed for this missense variant. However, the output from this modeling did not meet the statistical confidence thresholds required to predict the impact of this variant on CARD9 protein function. In summary, the available evidence is currently insufficient to determine the role of this variant in disease. Therefore, it has been classified as a Variant of Uncertain Significance.